The following is an entry in ClinVar:

ClinVar aggregate classification (germline): Uncertain significance. Review status: criteria provided, multiple submitters, no conflicts (2 of 4 stars). 2 submissions from 2 submitters: Uncertain significance (2). Last evaluated 2026-05-09.

Conditions:
TTN-related disorder. Also called: TTN-related condition; TTN-related disease; TTN-related disorders.

Allele frequency attached by ClinVar (database versions not stated): gnomAD exomes 0.00001; TOPMed 0.00001; 1000 Genomes Project 30x 0.00016; 1000 Genomes Project 0.00020; ExAC 0.00001; gnomAD 0.00001.
gnomAD v4.1: 9 of 1,613,740 alleles (0.00056%); highest among the groups gnomAD compares: Admixed American, 0.015%; no homozygotes.

Submissions (2):

PreventionGenetics, part of Exact Sciences
Classification: Uncertain significance for TTN-related condition. Last evaluated: 2026-05-09. Review status: criteria provided, single submitter. Criteria: ACMG Guidelines, 2015. Collection method: clinical testing. Allele origin: germline.
Comment: The TTN c.13792G>C variant is predicted to result in the amino acid substitution p.Gly4598Arg. To our knowledge, this variant has not been reported in the literature. This variant is reported in 0.0058% of alleles in individuals of Latino descent in gnomAD. At this time, the clinical significance of this variant is uncertain due to the absence of conclusive functional and genetic evidence.

Women's Health and Genetics/Laboratory Corporation of America, LabCorp
Classification: Uncertain significance. Last evaluated: 2025-01-31. Review status: criteria provided, single submitter. Criteria: LabCorp Variant Classification Summary - May 2015. Collection method: clinical testing. Allele origin: germline.
Comment: Variant summary: TTN c.10361-1081G>C is located at a position not widely known to affect splicing. This variant corresponds to c.13792G>C (p.Gly4598Arg) in NM_001267550. Consensus agreement among computation tools predict no significant impact on normal splicing. However, these predictions have yet to be confirmed by functional studies. The variant allele was found at a frequency of 8.1e-06 in 248416 control chromosomes (gnomAD). The available data on variant occurrences in the general population are insufficient to allow any conclusion about variant significance. To our knowledge, no occurrence of c.10361-1081G>C in individuals affected with dilated cardiomyopathy and no experimental evidence demonstrating its impact on protein function have been reported. ClinVar contains an entry for this variant (Variation ID: 3063721). Based on the evidence outlined above, the variant was classified as uncertain significance.

NM_001267550.2(TTN):c.13792G>C (p.Gly4598Arg)

Gene: TTN (titin; minus strand). Cytogenetic location: 2q31.2.
Variant type: single nucleotide variant.
Coding change: c.13792G>C on transcript NM_001267550.2 (MANE Select); coding-DNA position 13792, G replaced by C.
Protein change: p.Gly4598Arg; replaces glycine 4598 with arginine.
Molecular consequence: missense variant. On other transcripts: intron variant (1).
Genome position (GRCh38, 1-based): chr2:178,739,441, C>G on the plus strand (G>C on the coding strand, the complement: TTN is on the minus strand). VCF-style: chr2-178739441-C-G. GRCh37 (hg19) VCF-style: chr2-179604168-C-G.
Other names: c.12841G>C, p.Gly4281Arg (NM_001256850.1); c.12703G>C, p.Gly4235Arg (NM_003319.4); c.13078G>C, p.Gly4360Arg (NM_133432.3); c.13279G>C, p.Gly4427Arg (NM_133437.4); c.10361-1081G>C (NM_133378.4); short protein forms G4235R, G4281R, G4360R, G4427R, G4598R.
Identifiers: ClinVar variation 3063721 (VCV003063721.4), dbSNP rs572291971, ClinGen allele CA2002524.
Genomic context (GRCh38, chr2:178,739,441, plus strand): 5'-CAGAAACAGTGTCCACTAAAGGTGTATGTATCATGGGGCCATCCTCTTTGATTAAGCCAC[C>G]CTCAGCTTCCTGTATCTTTACTGTAGCAACCTCCTCAGTACCACTTTCAGAGGAAGACTC-3'
Protein context (NP_001254479.2, residues 4588-4608): VATVKIQEAE[Gly4598Arg]GLIKEDGPMI